The following is an entry in ClinVar:

ClinVar aggregate classification (germline): Likely benign. Review status: criteria provided, multiple submitters, no conflicts (2 of 4 stars). 3 submissions from 3 submitters: Likely benign (3). Last evaluated 2025-11-27.

Conditions:
RASopathy. Also called: rasopathies; Noonan spectrum disorder. Identifiers: Orphanet 536391, MedGen C5555857, MONDO:0021060.

Allele frequency attached by ClinVar (database versions not stated): gnomAD exomes 0.00002 and 0.00010; gnomAD 0.00004 and 0.00005; TOPMed 0.00005; ExAC 0.00007; 1000 Genomes Project 30x 0.00016; 1000 Genomes Project 0.00020.
gnomAD v4.1: 36 of 1,614,122 alleles (0.0022%); highest among the groups gnomAD compares: East Asian, 0.076%; no homozygotes.

Submissions (3):

Labcorp Genetics (formerly Invitae), Labcorp
Classification: Likely benign for RASopathy. Last evaluated: 2025-11-27. Review status: criteria provided, single submitter. Criteria: Invitae Variant Classification Sherloc (09022015). Collection method: clinical testing. Allele origin: germline.

Blueprint Genetics
Classification: Likely benign. Last evaluated: 2021-11-23. Review status: criteria provided, single submitter. Criteria: ACMG Guidelines, 2015. Collection method: clinical testing. Allele origin: germline.

GeneDx
Classification: Likely benign. Last evaluated: 2016-02-04. Review status: criteria provided, single submitter. Criteria: GeneDx Variant Classification (06012015). Collection method: clinical testing. Allele origin: germline. Affected: yes.
Comment: This variant is considered likely benign or benign based on one or more of the following criteria: it is a conservative change, it occurs at a poorly conserved position in the protein, it is predicted to be benign by multiple in silico algorithms, and/or has population frequency not consistent with disease.

NM_002880.4(RAF1):c.835-9C>G

Gene: RAF1 (Raf-1 proto-oncogene, serine/threonine kinase; minus strand). Cytogenetic location: 3p25.2.
Variant type: single nucleotide variant.
Coding change: c.835-9C>G on transcript NM_002880.4 (MANE Select); 9 bases into the intron before coding-DNA position 835, C replaced by G.
Molecular consequence: intron variant.
Genome position (GRCh38, 1-based): chr3:12,600,424, G>C on the plus strand (C>G on the coding strand, the complement: RAF1 is on the minus strand). VCF-style: chr3-12600424-G-C. GRCh37 (hg19) VCF-style: chr3-12641923-G-C.
Other names: c.493-9C>G (NM_001354695.3); c.592-9C>G (NM_001354692.3, NM_001354691.3); c.652-9C>G (NM_001354694.3); c.736-9C>G (NM_001354693.3); c.895-9C>G (NM_001354689.3); c.835-9C>G (NM_001354690.3).
Identifiers: ClinVar variation 383392 (VCV000383392.12), dbSNP rs200112870, ClinGen allele CA2259665.